The following is an entry in ClinVar:

NM_000445.5(PLEC):c.7G>C (p.Gly3Arg)

Gene: PLEC (plectin; minus strand). Cytogenetic location: 8q24.3.
Variant type: single nucleotide variant.
Coding change: c.7G>C on transcript NM_000445.5; coding-DNA position 7, G replaced by C.
Protein change: p.Gly3Arg; replaces glycine 3 with arginine.
Molecular consequence: missense variant.
Genome position (GRCh38, 1-based): chr8:143,975,363, C>G on the plus strand (G>C on the coding strand, the complement: PLEC is on the minus strand). VCF-style: chr8-143975363-C-G. GRCh37 (hg19) VCF-style: chr8-145049531-C-G.
Other names: c.7G>C, p.Gly3Arg (NM_001410941.1); short protein forms G3R.
Identifiers: ClinVar variation 2923468 (VCV002923468.3), dbSNP rs782440685, ClinGen allele CA372492417.
Genomic context (GRCh38, chr8:143,975,363, plus strand): 5'-GCGAGCCACTGCTTCCATTGGAGACATCTTCAGAGACTGCCCGGACCTCAGCGTCCTCAC[C>G]CGACATGGCCTCCTGGAAGGGGAGCAGGAGGGGTCACATCTCTGCCTGTTCAGGAGTGGA-3'

ClinVar aggregate classification (germline): Uncertain significance (1 of 4 stars; one submission).

Conditions:
Epidermolysis bullosa simplex with nail dystrophy (EBS5D). Identifiers: MedGen C4225309, MONDO:0014661, OMIM 616487.
Epidermolysis bullosa simplex, Ogna type (EBS5A). Also called: Pidermolysis bullosa simplex 5A, Ogna type; EPIDERMOLYSIS BULLOSA SIMPLEX 5A, OGNA TYPE. Identifiers: Orphanet 79401, MedGen C0432317, MONDO:0007555, OMIM 131950.
Autosomal recessive limb-girdle muscular dystrophy type 2Q (LGMDR17). Also called: MUSCULAR DYSTROPHY, LIMB-GIRDLE, AUTOSOMAL RECESSIVE 17. Identifiers: Orphanet 254361, MedGen C3150989, MONDO:0013390, OMIM 613723.
Epidermolysis bullosa simplex 5B, with muscular dystrophy (EBS5B). Also called: Epidermolysis bullosa simplex with muscular dystrophy; EPIDERMOLYSIS BULLOSA SIMPLEX AND LIMB-GIRDLE MUSCULAR DYSTROPHY. Identifiers: Orphanet 257, MedGen C2931072, MONDO:0009181, OMIM 226670.
Epidermolysis bullosa simplex 5C, with pyloric atresia (EBS5C). Also called: PLEC-Related Epidermolysis Bullosa with Pyloric Atresia; Epidermolysis bullosa simplex with pyloric atresia; PLEC1-Related Epidermolysis Bullosa with Pyloric Atresia. Identifiers: Orphanet 158684, MedGen C2677349, MONDO:0012807, OMIM 612138.

Allele frequency attached by ClinVar (database versions not stated): TOPMed below 0.00001; gnomAD 0.00001.
gnomAD v4.1: 1 of 1,608,180 alleles (0.000062%); highest among the groups gnomAD compares: Admixed American, 0.0017%; no homozygotes.

Submission:

Labcorp Genetics (formerly Invitae), Labcorp
Classification: Uncertain significance for Autosomal recessive limb-girdle muscular dystrophy type 2Q; Epidermolysis bullosa simplex, Ogna type; Epidermolysis bullosa simplex with nail dystrophy; Epidermolysis bullosa simplex 5C, with pyloric atresia; Epidermolysis bullosa simplex 5B, with muscular dystrophy. Last evaluated: 2024-10-26. Review status: criteria provided, single submitter. Criteria: Invitae Variant Classification Sherloc (09022015). Collection method: clinical testing. Allele origin: germline.
Comment: This sequence change replaces glycine, which is neutral and non-polar, with arginine, which is basic and polar, at codon 3 of the PLEC protein (p.Gly3Arg). This variant is not present in population databases (gnomAD no frequency). This variant has not been reported in the literature in individuals affected with PLEC-related conditions. Experimental studies and prediction algorithms are not available or were not evaluated, and the functional significance of this variant is currently unknown. In summary, the available evidence is currently insufficient to determine the role of this variant in disease. Therefore, it has been classified as a Variant of Uncertain Significance.